The following is an entry in ClinVar:

ClinVar aggregate classification (germline): Uncertain significance. Review status: criteria provided, multiple submitters, no conflicts (2 of 4 stars). 7 submissions from 5 submitters: Uncertain significance (7). Last evaluated 2025-10-02.

Conditions:
Hereditary spastic paraplegia 11. Also called: Spastic Paraplegia 11; Spastic paraplegia, mental retardation and thin corpus callosum; Nakamura Osame syndrome; Autosomal recessive hereditary spastic paraplegia, mental impairment, and thin corpus callosum; SPASTIC PARAPLEGIA, AUTOSOMAL RECESSIVE, COMPLICATED, WITH THIN CORPUS CALLOSUM; SPASTIC PARAPLEGIA, AUTOSOMAL RECESSIVE, WITH MENTAL IMPAIRMENT AND THIN CORPUS CALLOSUM. Identifiers: Orphanet 2822, MedGen C1858479, MONDO:0011445, OMIM 604360.
Inborn genetic diseases. Identifiers: MedGen C0950123, MeSH D030342.
Charcot-Marie-Tooth disease axonal type 2X. Also called: CHARCOT-MARIE-TOOTH DISEASE, AXONAL, AUTOSOMAL RECESSIVE, TYPE 2X; CHARCOT-MARIE-TOOTH NEUROPATHY, TYPE 2X. Identifiers: Orphanet 466775, MedGen C5569024, MONDO:0014726, OMIM 616668.
Hereditary spastic paraplegia. Also called: Familial spastic paraparesis. Identifiers: Orphanet 685, MedGen C0037773, MONDO:0019064. Disease mechanism: loss of function.
Amyotrophic lateral sclerosis type 5 (ALS5). Also called: AMYOTROPHIC LATERAL SCLEROSIS 5, JUVENILE. Identifiers: Orphanet 300605, MedGen C1865864, MONDO:0011196, OMIM 602099.

Allele frequency attached by ClinVar (database versions not stated): gnomAD 0.00001; gnomAD exomes 0.00001 and 0.00002; TOPMed 0.00001; ExAC 0.00003.
gnomAD v4.1: 19 of 1,552,144 alleles (0.0012%); highest among the groups gnomAD compares: Middle Eastern, 0.019%; no homozygotes.

Submissions (7):

Labcorp Genetics (formerly Invitae), Labcorp
Classification: Uncertain significance for Hereditary spastic paraplegia 11. Last evaluated: 2025-10-02. Review status: criteria provided, single submitter. Criteria: Invitae Variant Classification Sherloc (09022015). Collection method: clinical testing. Allele origin: germline.
Comment: This sequence change replaces glutamic acid, which is acidic and polar, with alanine, which is neutral and non-polar, at codon 774 of the SPG11 protein (p.Glu774Ala). This variant is present in population databases (rs566318835, gnomAD 0.004%). This missense change has been observed in individual(s) with developmental disorders (PMID: 32005694). ClinVar contains an entry for this variant (Variation ID: 1344082). Invitae Evidence Modeling of protein sequence and biophysical properties (such as structural, functional, and spatial information, amino acid conservation, physicochemical variation, residue mobility, and thermodynamic stability) indicates that this missense variant is not expected to disrupt SPG11 protein function with a negative predictive value of 80%. In summary, the available evidence is currently insufficient to determine the role of this variant in disease. Therefore, it has been classified as a Variant of Uncertain Significance.

Blueprint Genetics
Classification: Uncertain significance. Last evaluated: 2024-09-14. Review status: criteria provided, single submitter. Criteria: ACMG Guidelines, 2015. Collection method: clinical testing. Allele origin: germline.

Ambry Genetics
Classification: Uncertain significance for Inborn genetic diseases. Last evaluated: 2020-09-15. Review status: criteria provided, single submitter. Criteria: Ambry Variant Classification Scheme 2023. Collection method: clinical testing. Allele origin: germline.
Comment: The p.E774A variant (also known as c.2321A>C), located in coding exon 13 of the SPG11 gene, results from an A to C substitution at nucleotide position 2321. The glutamic acid at codon 774 is replaced by alanine, an amino acid with dissimilar properties. This amino acid position is well conserved in available vertebrate species. In addition, the in silico prediction for this alteration is inconclusive. Since supporting evidence is limited at this time, the clinical significance of this alteration remains unclear.

Genome Diagnostics Laboratory, The Hospital for Sick Children
Classification: Uncertain significance for Hereditary spastic paraplegia. Last evaluated: 2017-05-09. Review status: criteria provided, single submitter. Criteria: ACMG Guidelines, 2015. Collection method: clinical testing. Allele origin: germline. Affected: yes.

Genome-Nilou Lab
Classification: Uncertain significance for Amyotrophic lateral sclerosis type 5. Review status: criteria provided, single submitter. Criteria: ACMG Guidelines, 2015. Collection method: clinical testing. Allele origin: germline.

Genome-Nilou Lab
Classification: Uncertain significance for Charcot-Marie-Tooth disease axonal type 2X. Review status: criteria provided, single submitter. Criteria: ACMG Guidelines, 2015. Collection method: clinical testing. Allele origin: germline.

Genome-Nilou Lab
Classification: Uncertain significance for Hereditary spastic paraplegia 11. Review status: criteria provided, single submitter. Criteria: ACMG Guidelines, 2015. Collection method: clinical testing. Allele origin: germline.

Literature cited by the submitters: PubMed 32005694 (cited by Labcorp Genetics (formerly Invitae), Labcorp).

NM_025137.4(SPG11):c.2321A>C (p.Glu774Ala)

Gene: SPG11 (SPG11 vesicle trafficking associated, spatacsin; minus strand). Cytogenetic location: 15q21.1.
Variant type: single nucleotide variant.
Coding change: c.2321A>C on transcript NM_025137.4 (MANE Select); coding-DNA position 2321, A replaced by C.
Protein change: p.Glu774Ala; replaces glutamic acid 774 with alanine.
Molecular consequence: missense variant.
Genome position (GRCh38, 1-based): chr15:44,622,343, T>G on the plus strand (A>C on the coding strand, the complement: SPG11 is on the minus strand). VCF-style: chr15-44622343-T-G. GRCh37 (hg19) VCF-style: chr15-44914541-T-G.
Other names: c.2321A>C, p.Glu774Ala (NM_001160227.2); short protein forms E774A.
Identifiers: ClinVar variation 1344082 (VCV001344082.14), dbSNP rs566318835, ClinGen allele CA7535270.